The following is an entry in ClinVar:

ClinVar aggregate classification (germline): Uncertain significance. Review status: criteria provided, multiple submitters, no conflicts (2 of 4 stars). 2 submissions from 2 submitters: Uncertain significance (2). Last evaluated 2024-04-15.

Conditions:
Pityriasis rubra pilaris (PRP). Also called: Pityriasis rubra pilaris--familial type. Identifiers: Orphanet 2897, MedGen C0032027, MONDO:0100017, OMIM 173200, MONDO:0008251.
Psoriasis 2. Identifiers: MedGen C1864497, MONDO:0011269, OMIM 602723.

gnomAD v4.1: 9 of 1,613,778 alleles (0.00056%); highest among the groups gnomAD compares: Non-Finnish European, 0.00076%; no homozygotes.

Submissions (2):

Labcorp Genetics (formerly Invitae), Labcorp
Classification: Uncertain significance for Pityriasis rubra pilaris; Psoriasis 2. Last evaluated: 2024-04-15. Review status: criteria provided, single submitter. Criteria: Invitae Variant Classification Sherloc (09022015). Collection method: clinical testing. Allele origin: germline.
Comment: This sequence change replaces cysteine, which is neutral and slightly polar, with tryptophan, which is neutral and slightly polar, at codon 650 of the CARD14 protein (p.Cys650Trp). This variant is not present in population databases (gnomAD no frequency). This variant has not been reported in the literature in individuals affected with CARD14-related conditions. Advanced modeling of protein sequence and biophysical properties (such as structural, functional, and spatial information, amino acid conservation, physicochemical variation, residue mobility, and thermodynamic stability) performed at Invitae indicates that this missense variant is expected to disrupt CARD14 protein function with a positive predictive value of 80%. In summary, the available evidence is currently insufficient to determine the role of this variant in disease. Therefore, it has been classified as a Variant of Uncertain Significance.

Blueprint Genetics
Classification: Uncertain significance. Last evaluated: 2019-10-29. Review status: criteria provided, single submitter. Criteria: ACMG Guidelines, 2015. Collection method: clinical testing. Allele origin: germline.

NM_001366385.1(CARD14):c.1950C>G (p.Cys650Trp)

Genes: CARD14 (caspase recruitment domain family member 14; plus strand), SGSH (N-sulfoglucosamine sulfohydrolase; minus strand). Cytogenetic location: 17q25.3.
Variant type: single nucleotide variant.
Coding change: c.1950C>G on transcript NM_001366385.1 (MANE Select); coding-DNA position 1950, C replaced by G.
Protein change: p.Cys650Trp; replaces cysteine 650 with tryptophan.
Molecular consequence: missense variant. On other transcripts: non-coding transcript variant (1).
Genome position (GRCh38, 1-based): chr17:80,201,842, C>G. VCF-style: chr17-80201842-C-G. GRCh37 (hg19) VCF-style: chr17-78175641-C-G.
Other names: c.1950C>G, p.Cys650Trp (NM_001257970.1, NM_024110.4); short protein forms C650W.
Identifiers: ClinVar variation 3763877 (VCV003763877.3).